The following is an entry in ClinVar:

NM_024426.6(WT1):c.1195G>T (p.Ala399Ser)

Gene: WT1 (WT1 transcription factor; minus strand). Cytogenetic location: 11p13.
Variant type: single nucleotide variant.
Coding change: c.1195G>T on transcript NM_024426.6 (MANE Select); coding-DNA position 1195, G replaced by T.
Protein change: p.Ala399Ser; replaces alanine 399 with serine.
Molecular consequence: missense variant. On other transcripts: non-coding transcript variant (2).
Genome position (GRCh38, 1-based): chr11:32,396,326, C>A on the plus strand (G>T on the coding strand, the complement: WT1 is on the minus strand). VCF-style: chr11-32396326-C-A. GRCh37 (hg19) VCF-style: chr11-32417872-C-A.
Other names: c.1144G>T, p.Ala382Ser (NM_000378.6, NM_001407045.1, NM_001407048.1 and 1 more transcripts); c.544G>T, p.Ala182Ser (NM_001198551.2); c.493G>T, p.Ala165Ser (NM_001198552.2); c.7G>T, p.Ala3Ser (NM_001367854.1); c.1189G>T, p.Ala397Ser (NM_001407044.1); c.1195G>T, p.Ala399Ser (NM_001407046.1, NM_024424.5); c.1072G>T, p.Ala358Ser (NM_001407047.1); c.1021G>T, p.Ala341Ser (NM_001407050.1); and 3 more; short protein forms A165S, A382S, A394S, A399S, A145S, A309S, A326S, A341S.
Identifiers: ClinVar variation 5032039 (VCV005032039.1).
Genomic context (GRCh38, chr11:32,396,326, plus strand): 5'-TCCTGCTGTGCATCTGTAAGTGGGACAGCTTAAAATATCTCTTATTGCAGCCTGGGTAAG[C>A]ACACATGAAGGGGCGTTTCTCACTGGTCTCAGATGCCGACCGTACAAGAGTCGGGGCTAC-3'
Protein context (NP_077744.4, residues 389-409): ETSEKRPFMC[Ala399Ser]YPGCNKRYFK

ClinVar aggregate classification (germline): Uncertain significance (1 of 4 stars; one submission).

Conditions:
Inborn genetic diseases. Identifiers: MedGen C0950123, MeSH D030342.

Submission:

Ambry Genetics
Classification: Uncertain significance for Inborn genetic diseases. Last evaluated: 2026-07-07. Review status: criteria provided, single submitter. Criteria: Ambry Variant Classification Scheme 2023. Collection method: clinical testing. Allele origin: germline.
Comment: The p.A394S variant (also known as c.1180G>T), located in coding exon 7 of the WT1 gene, results from a G to T substitution at nucleotide position 1180. The alanine at codon 394 is replaced by serine, an amino acid with similar properties. This amino acid position is conserved. In addition, this alteration is predicted to be tolerated by in silico analysis. Based on the available evidence, the clinical significance of this variant remains unclear.